The following is an entry in ClinVar:

NM_032043.3(BRIP1):c.2995A>T (p.Arg999Ter)

Gene: BRIP1 (BRCA1 interacting DNA helicase 1; minus strand). Cytogenetic location: 17q23.2.
Variant type: single nucleotide variant.
Coding change: c.2995A>T on transcript NM_032043.3 (MANE Select); coding-DNA position 2995, A replaced by T.
Protein change: p.Arg999Ter; replaces arginine 999 with a stop codon.
Molecular consequence: nonsense.
Genome position (GRCh38, 1-based): chr17:61,684,051, T>A on the plus strand (A>T on the coding strand, the complement: BRIP1 is on the minus strand). VCF-style: chr17-61684051-T-A. GRCh37 (hg19) VCF-style: chr17-59761412-T-A.
Other names: short protein forms R999*.
Identifiers: ClinVar variation 2929483 (VCV002929483.3), dbSNP rs2061323811, ClinGen allele CA400480034.

ClinVar aggregate classification (germline): Likely pathogenic (1 of 4 stars; one submission).

Conditions:
Fanconi anemia complementation group J. Also called: BRIP1-Related Fanconi Anemia. Identifiers: Orphanet 84, MedGen C1836860, MONDO:0012187, OMIM 609054.
Familial cancer of breast. Also called: Hereditary breast cancer; hereditary breast carcinoma; BREAST CANCER, FAMILIAL. Identifiers: Orphanet 227535, MedGen C0346153, MONDO:0016419, OMIM 114480. Disease mechanism: loss of function.

Submission:

Labcorp Genetics (formerly Invitae), Labcorp
Classification: Likely pathogenic for Familial cancer of breast; Fanconi anemia complementation group J. Last evaluated: 2023-10-16. Review status: criteria provided, single submitter. Criteria: Invitae Variant Classification Sherloc (09022015). Collection method: clinical testing. Allele origin: germline.
Comment: This sequence change creates a premature translational stop signal (p.Arg999*) in the BRIP1 gene. While this is not anticipated to result in nonsense mediated decay, it is expected to disrupt the last 251 amino acid(s) of the BRIP1 protein. This variant is not present in population databases (gnomAD no frequency). This variant has not been reported in the literature in individuals affected with BRIP1-related conditions. Algorithms developed to predict the effect of sequence changes on RNA splicing suggest that this variant may create or strengthen a splice site. This variant disrupts the TopBP1-binding region of the BRIP1 protein, which plays a critical role in RPA chromatin loading and the activation of the replication checkpoint in response to DNA damage (PMID: 20159562, 21127055). While functional studies have not been performed to directly test the effect of this variant on BRIP1 protein function, this suggests that disruption of this region of the protein is causative of disease. In summary, the currently available evidence indicates that the variant is pathogenic, but additional data are needed to prove that conclusively. Therefore, this variant has been classified as Likely Pathogenic.

Literature cited by the submitters: PubMed 20159562; PubMed 21127055.